The following is an entry in ClinVar:

ClinVar aggregate classification (germline): Pathogenic (1 of 4 stars; one submission).

Conditions:
Mitochondrial DNA depletion syndrome 1. Also called: POLIP SYNDROME; POLYNEUROPATHY, OPHTHALMOPLEGIA, LEUKOENCEPHALOPATHY, AND INTESTINAL PSEUDOOBSTRUCTION; Mitochondrial Neurogastrointestinal Encephalopathy Disease; MITOCHONDRIAL NEUROGASTROINTESTINAL ENCEPHALOPATHY SYNDROME, TYMP-RELATED; MNGIE, TYMP-RELATED; Mitochondrial neurogastrointestinal encephalomyopathy syndrome. Identifiers: Orphanet 298, MedGen C4551995, MONDO:0011283, OMIM 603041.

Submission:

Myriad Genetics, Inc.
Classification: Pathogenic for Mitochondrial DNA depletion syndrome 1. Last evaluated: 2026-03-19. Review status: criteria provided, single submitter. Criteria: Myriad Autosomal Dominant, Autosomal Recessive and X-Linked Classification Criteria (2023). Collection method: clinical testing. Allele origin: unknown.
Comment: NM_001953.4(TYMP):c.74_75delGAinsCAT(G25Afs*99) is expected to be pathogenic in the context of mitochondrial neurogastrointestinal encephalopathy disease. This variant is predicted to lead to an abnormal or absent protein product due to the creation of a premature termination codon in TYMP, a gene where loss-of-function variants are known to be pathogenic. Please note: this variant was assessed in the context of healthy population screening.

NM_001953.5(TYMP):c.74_75delinsCAT (p.Gly25fs)

Gene: TYMP (thymidine phosphorylase; minus strand). Cytogenetic location: 22q13.33.
Variant type: Indel.
Coding change: c.74_75delinsCAT on transcript NM_001953.5 (MANE Select); coding-DNA positions 74 to 75, GA replaced by CAT.
Protein change: p.Gly25fs; shifts the reading frame from glycine 25.
Molecular consequence: frameshift variant.
Genome position (GRCh38, 1-based): chr22:50,529,635-50,529,636, TC replaced by ATG on the plus strand (GA replaced by CAT on the coding strand, the reverse complement: TYMP is on the minus strand). VCF-style: chr22-50529635-TC-ATG. GRCh37 (hg19) VCF-style: chr22-50968064-TC-ATG.
Other names: c.74_75delinsCAT, p.Gly25fs (NM_001113755.3, NM_001113756.3, NM_001257988.1 and 1 more transcripts); short protein forms G25fs.
Identifiers: ClinVar variation 5010558 (VCV005010558.1).